The following is an entry in ClinVar:

ClinVar aggregate classification (germline): Conflicting classifications of pathogenicity. Review status: criteria provided, conflicting classifications (1 of 4 stars). 4 submissions from 4 submitters: Pathogenic (1); Likely pathogenic (2); Uncertain significance (1). Last evaluated 2025-06-16.

Conditions:
Combined oxidative phosphorylation defect type 20. Also called: Combined oxidative phosphorylation deficiency 20. Identifiers: Orphanet 420728, MedGen C4014660, MONDO:0014397, OMIM 615917.

Allele frequency attached by ClinVar (database versions not stated): 1000 Genomes Project 30x 0.00031; gnomAD exomes 0.00008; ExAC 0.00019; TOPMed 0.00001; gnomAD 0.00005; 1000 Genomes Project 0.00020.
gnomAD v4.1: 118 of 1,612,504 alleles (0.0073%); highest among the groups gnomAD compares: South Asian, 0.12%; no homozygotes.

Submissions (4):

First Genomix Gene Laboratory, Genetic Diagnostics Department
Classification: Likely pathogenic for Combined oxidative phosphorylation defect type 20. Last evaluated: 2025-06-16. Review status: criteria provided, single submitter. Criteria: ACMG Guidelines, 2015. Collection method: clinical testing. Allele origin: germline. Inheritance: Autosomal recessive inheritance. Affected: no.

Women's Health and Genetics/Laboratory Corporation of America, LabCorp
Classification: Pathogenic for Combined oxidative phosphorylation defect type 20. Last evaluated: 2023-08-24. Review status: criteria provided, single submitter. Criteria: LabCorp Variant Classification Summary - May 2015. Collection method: clinical testing. Allele origin: germline.
Comment: Variant summary: VARS2 c.1346G>A (p.Trp449X) results in a premature termination codon, predicted to cause a truncation of the encoded protein or absence of the protein due to nonsense mediated decay, which are commonly known mechanisms for disease. The variant allele was found at a frequency of 0.00015 in 250068 control chromosomes (gnomAD), predominantly at a frequency of 0.0012 within the South Asian subpopulation in the gnomAD database. To our knowledge, no occurrence of c.1346G>A in individuals affected with Combined Oxidative Phosphorylation Defect Type 20 and no experimental evidence demonstrating its impact on protein function have been reported. One ClinVar submitter has assessed the variant since 2014, and classified the variant as uncertain significance. Based on the evidence outlined above, the variant was classified as pathogenic.

Clinical Genetics Laboratory, Skane University Hospital Lund
Classification: Likely pathogenic. Last evaluated: 2022-07-28. Review status: criteria provided, single submitter. Criteria: ACMG Guidelines, 2015. Collection method: clinical testing. Allele origin: germline. Affected: yes.

Revvity Omics, Revvity
Classification: Uncertain significance for Combined oxidative phosphorylation defect type 20. Last evaluated: 2021-01-25. Review status: criteria provided, single submitter. Criteria: ACMG Guidelines, 2015. Collection method: clinical testing. Allele origin: germline.

NM_020442.6(VARS2):c.1346G>A (p.Trp449Ter)

Gene: VARS2 (valyl-tRNA synthetase 2, mitochondrial; plus strand). Cytogenetic location: 6p21.33.
Variant type: single nucleotide variant.
Coding change: c.1346G>A on transcript NM_020442.6 (MANE Select); coding-DNA position 1346, G replaced by A.
Protein change: p.Trp449Ter; replaces tryptophan 449 with a stop codon.
Molecular consequence: nonsense.
Genome position (GRCh38, 1-based): chr6:30,920,385, G>A. VCF-style: chr6-30920385-G-A. GRCh37 (hg19) VCF-style: chr6-30888162-G-A.
Other names: c.926G>A, p.Trp309Ter (NM_001167733.3); c.1436G>A, p.Trp479Ter (NM_001167734.2); c.1346G>A (NM_020442.5); short protein forms W309*, W449*, W479*.
Identifiers: ClinVar variation 2438511 (VCV002438511.6), dbSNP rs535246705, ClinGen allele CA3705882.
Genomic context (GRCh38, chr6:30,920,385, plus strand): 5'-TTCTCCAGGGTCTTCACCGGTTTGTGGCCCGGGAAAAGATAATGTCTGTGCTGAGTGAAT[G>A]GGGCCTGTTCCGGGGCCTCCAGAACCACCCCATGGTACTGCCCATCTGCAGGTAACCTCA-3'